The following is an entry in ClinVar:

NM_024675.4(PALB2):c.785T>C (p.Leu262Pro)

Gene: PALB2 (partner and localizer of BRCA2; minus strand). Cytogenetic location: 16p12.2.
Variant type: single nucleotide variant.
Coding change: c.785T>C on transcript NM_024675.4 (MANE Select); coding-DNA position 785, T replaced by C.
Protein change: p.Leu262Pro; replaces leucine 262 with proline.
Molecular consequence: missense variant. On other transcripts: 5 prime UTR variant (8), intron variant (3).
Genome position (GRCh38, 1-based): chr16:23,635,761, A>G on the plus strand (T>C on the coding strand, the complement: PALB2 is on the minus strand). VCF-style: chr16-23635761-A-G. GRCh37 (hg19) VCF-style: chr16-23647082-A-G.
Other names: c.725T>C, p.Leu242Pro (NM_001407296.1); c.785T>C, p.Leu262Pro (NM_001407297.1, NM_001407298.1, NM_001407299.1 and 3 more transcripts); c.-101T>C (NM_001407304.1, NM_001407305.1, NM_001407306.1 and 5 more transcripts); c.48+5349T>C (NM_001407314.1); c.-104-5292T>C (NM_001407313.1, NM_001407312.1); short protein forms L262P, L242P.
Identifiers: ClinVar variation 3654616 (VCV003654616.3).

ClinVar aggregate classification (germline): Uncertain significance. Review status: criteria provided, multiple submitters, no conflicts (2 of 4 stars). 2 submissions from 2 submitters: Uncertain significance (2). Last evaluated 2024-07-08.

Conditions:
Hereditary cancer-predisposing syndrome. Also called: Hereditary Cancer Syndrome; Neoplastic Syndromes, Hereditary; Hereditary neoplastic syndrome; Tumor predisposition. Identifiers: Orphanet 140162, MedGen C0027672, MeSH D009386, MONDO:0015356.
Familial cancer of breast. Also called: hereditary breast carcinoma; BREAST CANCER, FAMILIAL; Hereditary breast cancer. Identifiers: Orphanet 227535, MedGen C0346153, MONDO:0016419, OMIM 114480. Disease mechanism: loss of function.

Submissions (2):

Color Diagnostics, LLC DBA Color Health
Classification: Uncertain significance for Hereditary cancer-predisposing syndrome. Last evaluated: 2024-07-08. Review status: criteria provided, single submitter. Criteria: ACMG Guidelines, 2015. Collection method: clinical testing. Allele origin: germline.
Comment: This missense variant replaces leucine with proline at codon 262 of the PALB2 protein. Computational prediction suggests that this variant may not impact protein structure and function (internally defined REVEL score threshold <= 0.5, PMID: 27666373). To our knowledge, functional studies have not been reported for this variant. This variant has not been reported in individuals affected with PALB2-related disorders in the literature. This variant has not been identified in the general population by the Genome Aggregation Database (gnomAD). The available evidence is insufficient to determine the role of this variant in disease conclusively. Therefore, this variant is classified as a Variant of Uncertain Significance.

Labcorp Genetics (formerly Invitae), Labcorp
Classification: Uncertain significance for Familial cancer of breast. Last evaluated: 2024-05-26. Review status: criteria provided, single submitter. Criteria: Invitae Variant Classification Sherloc (09022015). Collection method: clinical testing. Allele origin: germline.
Comment: This sequence change replaces leucine, which is neutral and non-polar, with proline, which is neutral and non-polar, at codon 262 of the PALB2 protein (p.Leu262Pro). This variant is not present in population databases (gnomAD no frequency). This variant has not been reported in the literature in individuals affected with PALB2-related conditions. An algorithm developed to predict the effect of missense changes on protein structure and function (PolyPhen-2) suggests that this variant is likely to be disruptive. In summary, the available evidence is currently insufficient to determine the role of this variant in disease. Therefore, it has been classified as a Variant of Uncertain Significance.